The following is an entry in ClinVar:

NM_015215.4(CAMTA1):c.2223G>A (p.Val741=)

Gene: CAMTA1 (calmodulin binding transcription activator 1; plus strand). Cytogenetic location: 1p36.23.
Variant type: single nucleotide variant.
Coding change: c.2223G>A on transcript NM_015215.4 (MANE Select); coding-DNA position 2223, G replaced by A.
Protein change: p.Val741=; no amino-acid change (valine 741 retained).
Molecular consequence: synonymous variant.
Genome position (GRCh38, 1-based): chr1:7,664,770, G>A. VCF-style: chr1-7664770-G-A. GRCh37 (hg19) VCF-style: chr1-7724830-G-A.
Other names: c.2133G>A, p.Val711= (NM_001349608.2, NM_001349612.2); c.2223G>A, p.Val741= (NM_001349609.2, NM_001349610.2); c.2223G>A (NM_015215.3).
Identifiers: ClinVar variation 916199 (VCV000916199.42), dbSNP rs747383026, ClinGen allele CA566597.

ClinVar aggregate classification (germline): Likely benign. Review status: criteria provided, multiple submitters, no conflicts (2 of 4 stars). 3 submissions from 3 submitters: Likely benign (2). 1 of the submissions does not count toward it. Last evaluated 2020-03-01.

Conditions:
CAMTA1-related disorder. Also called: CAMTA1-related condition.

Allele frequency attached by ClinVar (database versions not stated): gnomAD exomes 0.00002; TOPMed 0.00002; ExAC 0.00003; gnomAD 0.00004.
gnomAD v4.1: 42 of 1,611,216 alleles (0.0026%); highest among the groups gnomAD compares: Middle Eastern, 0.066%; no homozygotes.

Submissions (3):

CeGaT Center for Human Genetics Tuebingen
Classification: Likely benign. Last evaluated: 2020-03-01. Review status: criteria provided, single submitter. Criteria: CeGaT Center For Human Genetics Tuebingen Variant Classification Criteria Version 2. Collection method: clinical testing. Allele origin: germline. Affected: yes. Observed: 1 variant allele.

Breakthrough Genomics
Classification: Likely benign. Review status: criteria provided, single submitter. Criteria: ACMG Guidelines, 2015. Collection method: not provided. Allele origin: germline. Inheritance: Autosomal dominant inheritance. Affected: yes.

PreventionGenetics, part of Exact Sciences
Classification: Likely benign for CAMTA1-related condition. Last evaluated: 2019-02-22. Review status: no assertion criteria provided. Collection method: clinical testing. Allele origin: germline. Not counted in ClinVar's aggregate classification.
Comment: This variant is classified as likely benign based on ACMG/AMP sequence variant interpretation guidelines (Richards et al. 2015 PMID: 25741868, with internal and published modifications).